The following is an entry in ClinVar:

ClinVar aggregate classification (germline): Benign (0 of 4 stars; one submission).

Conditions:
PRRC2A-related disorder. Also called: PRRC2A-related condition.

Allele frequency attached by ClinVar (database versions not stated): gnomAD exomes 0.00281; ExAC 0.00419; gnomAD 0.01108; TOPMed 0.01225; 1000 Genomes Project 0.01318; ESP Exome Variant Server 0.01375; 1000 Genomes Project 30x 0.01421.
gnomAD v4.1: 5,840 of 1,608,712 alleles (0.36%); highest among the groups gnomAD compares: African/African-American, 3.5%; 44 homozygotes.

Submission:

PreventionGenetics, part of Exact Sciences
Classification: Benign for PRRC2A-related condition. Last evaluated: 2019-04-01. Review status: no assertion criteria provided. Collection method: clinical testing. Allele origin: germline.
Comment: This variant is classified as benign based on ACMG/AMP sequence variant interpretation guidelines (Richards et al. 2015 PMID: 25741868, with internal and published modifications).

NM_004638.4(PRRC2A):c.3847G>A (p.Ala1283Thr)

Gene: PRRC2A (proline rich coiled-coil 2A; plus strand). Cytogenetic location: 6p21.33.
Variant type: single nucleotide variant.
Coding change: c.3847G>A on transcript NM_004638.4 (MANE Select); coding-DNA position 3847, G replaced by A.
Protein change: p.Ala1283Thr; replaces alanine 1283 with threonine.
Molecular consequence: missense variant.
Genome position (GRCh38, 1-based): chr6:31,632,520, G>A. VCF-style: chr6-31632520-G-A. GRCh37 (hg19) VCF-style: chr6-31600297-G-A.
Other names: c.3847G>A, p.Ala1283Thr (NM_080686.3); short protein forms A1283T.
Identifiers: ClinVar variation 3052626 (VCV003052626.2), dbSNP rs35102093, ClinGen allele CA3716038.